The following is an entry in ClinVar:

ClinVar aggregate classification (germline): Pathogenic (1 of 4 stars; one submission).

Submission:

Labcorp Genetics (formerly Invitae), Labcorp
Classification: Pathogenic. Last evaluated: 2022-12-30. Review status: criteria provided, single submitter. Criteria: Invitae Variant Classification Sherloc (09022015). Collection method: clinical testing. Allele origin: unknown.
Comment: This variant is a gross deletion of the genomic region encompassing exon(s) 1-3 of the PDE6B gene, which includes the initiator codon. This deletion extends beyond the assayed region for this gene and therefore may encompass additional genes. It is expected to result in an absent or disrupted protein product. Loss-of-function variants in PDE6B are known to be pathogenic (PMID: 8394174, 8595886, 22334370). For these reasons, this variant has been classified as Pathogenic. This variant has not been reported in the literature in individuals affected with PDE6B-related conditions.

Literature cited by the submitters: PubMed 8394174; PubMed 8595886; PubMed 22334370.

NC_000004.11:g.(?_619416)_(629778_?)del

Gene: PDE6B (phosphodiesterase 6B; plus strand). Cytogenetic location: 4p16.3.
Variant type: Deletion.
Identifiers: ClinVar variation 3246706 (VCV003246706.1).